The following is an entry in ClinVar:

ClinVar aggregate classification (germline): Uncertain significance (1 of 4 stars; one submission).

Conditions:
Pierpont syndrome (PRPTS). Identifiers: Orphanet 487825, MedGen C1865644, MONDO:0011213, OMIM 602342.

Submission:

Labcorp Genetics (formerly Invitae), Labcorp
Classification: Uncertain significance for Pierpont syndrome. Last evaluated: 2022-04-11. Review status: criteria provided, single submitter. Criteria: Invitae Variant Classification Sherloc (09022015). Collection method: clinical testing. Allele origin: germline.
Comment: This variant is not present in population databases (gnomAD no frequency). This sequence change replaces serine, which is neutral and polar, with asparagine, which is neutral and polar, at codon 235 of the TBL1XR1 protein (p.Ser235Asn). This variant has not been reported in the literature in individuals affected with TBL1XR1-related conditions. In summary, the available evidence is currently insufficient to determine the role of this variant in disease. Therefore, it has been classified as a Variant of Uncertain Significance. Algorithms developed to predict the effect of missense changes on protein structure and function (SIFT, PolyPhen-2, Align-GVGD) all suggest that this variant is likely to be tolerated.

NM_024665.7(TBL1XR1):c.704G>A (p.Ser235Asn)

Genes: TBL1XR1 (TBL1X/Y related 1; minus strand), TBL1XR1-AS1 (TBL1XR1 antisense RNA 1; plus strand). Cytogenetic location: 3q26.32.
Variant type: single nucleotide variant.
Coding change: c.704G>A on transcript NM_024665.7 (MANE Select); coding-DNA position 704, G replaced by A.
Protein change: p.Ser235Asn; replaces serine 235 with asparagine.
Molecular consequence: missense variant.
Genome position (GRCh38, 1-based): chr3:177,047,548, C>T on the plus strand (G>A on the coding strand, the complement: TBL1XR1 is on the minus strand). VCF-style: chr3-177047548-C-T. GRCh37 (hg19) VCF-style: chr3-176765336-C-T.
Other names: c.704G>A, p.Ser235Asn (NM_001321193.3, NM_001321194.3, NM_001374327.1 and 2 more transcripts); c.443G>A, p.Ser148Asn (NM_001321195.3, NM_001374330.1); short protein forms S148N, S235N.
Identifiers: ClinVar variation 2124963 (VCV002124963.4), dbSNP rs2473702194, ClinGen allele CA355552356.